The following is an entry in ClinVar:

NC_000022.11:g.(?_49903818)_(49907964_?)del

Gene: ALG12 (ALG12 alpha-1,6-mannosyltransferase; minus strand). Cytogenetic location: 22q13.33.
Variant type: Deletion.
Identifiers: ClinVar variation 661745 (VCV000661745.2).

ClinVar aggregate classification (germline): Uncertain significance (1 of 4 stars; one submission).

Conditions:
ALG12-congenital disorder of glycosylation (CDG1G). Also called: CDG Ig; ALG12-CDG; Congenital disorder of glycosylation, type Ig. Identifiers: Orphanet 79324, MedGen C2931001, MONDO:0011783, OMIM 607143.

Submission:

Labcorp Genetics (formerly Invitae), Labcorp
Classification: Uncertain significance for ALG12-congenital disorder of glycosylation. Last evaluated: 2018-09-14. Review status: criteria provided, single submitter. Criteria: Invitae Variant Classification Sherloc (09022015). Collection method: clinical testing. Allele origin: germline.
Comment: This variant is a gross deletion of the genomic region encompassing exons 7-10 of the ALG12 gene. The 5' boundary is likely confined to intron 6. The 3' end of this event is unknown as it extends through the termination codon beyond the assayed region for this gene and may encompass additional genes. While this deletion is not anticipated to result in nonsense mediated decay, it is expected to create a truncated protein product or disrupt mRNA translation. This variant has not been reported in the literature in individuals with ALG12-related disease. Experimental studies and prediction algorithms are not available for this variant, and the functional significance of the affected amino acid(s) is currently unknown. The observation of one or more missense substitutions downstream of this variant (p.Ser275Asn and p.Arg311Cys) in affected individuals suggests that this may be a clinically significant region of the ALG12 protein (PMID: 15639192). In summary, the available evidence is currently insufficient to determine the role of this variant in disease. Therefore, it has been classified as a Variant of Uncertain Significance.

Literature cited by the submitters: PubMed 15639192.